The following is an entry in ClinVar:

NM_000432.4(MYL2):c.94-1G>C

Gene: MYL2 (myosin light chain 2; minus strand). Cytogenetic location: 12q24.11.
Variant type: single nucleotide variant.
Coding change: c.94-1G>C on transcript NM_000432.4 (MANE Select); the canonical splice acceptor site of the intron before coding-DNA position 94, G replaced by C.
Molecular consequence: splice acceptor variant. On other transcripts: intron variant (1).
Genome position (GRCh38, 1-based): chr12:110,915,791, C>G on the plus strand (G>C on the coding strand, the complement: MYL2 is on the minus strand). VCF-style: chr12-110915791-C-G. GRCh37 (hg19) VCF-style: chr12-111353595-C-G.
Other names: c.37-1G>C (NM_001406916.1); c.94-1467G>C (NM_001406745.1).
Identifiers: ClinVar variation 2087800 (VCV002087800.4), dbSNP rs2499811866, ClinGen allele CA386699606.

ClinVar aggregate classification (germline): Uncertain significance (1 of 4 stars; one submission).

Conditions:
Hypertrophic cardiomyopathy 10. Also called: MYL2-Related Familial Hypertrophic Cardiomyopathy; CARDIOMYOPATHY, HYPERTROPHIC, MID-LEFT VENTRICULAR CHAMBER TYPE, 2. Identifiers: MedGen C1834460, MONDO:0012112, OMIM 608758.

Submission:

Labcorp Genetics (formerly Invitae), Labcorp
Classification: Uncertain significance for Hypertrophic cardiomyopathy 10. Last evaluated: 2022-01-18. Review status: criteria provided, single submitter. Criteria: Invitae Variant Classification Sherloc (09022015). Collection method: clinical testing. Allele origin: germline.
Comment: This variant is not present in population databases (gnomAD no frequency). This sequence change affects an acceptor splice site in intron 2 of the MYL2 gene. It is expected to disrupt RNA splicing. Variants that disrupt the donor or acceptor splice site typically lead to a loss of protein function (PMID: 16199547), however the current clinical and genetic evidence is not sufficient to establish whether loss-of-function variants in MYL2 cause disease. In summary, the available evidence is currently insufficient to determine the role of this variant in disease. Therefore, it has been classified as a Variant of Uncertain Significance. Algorithms developed to predict the effect of sequence changes on RNA splicing suggest that this variant may disrupt the consensus splice site. This variant has not been reported in the literature in individuals affected with MYL2-related conditions.

Literature cited by the submitters: PubMed 16199547.